The following is an entry in ClinVar:

NM_004993.6(ATXN3):c.916G>C (p.Gly306Arg)

Gene: ATXN3 (ataxin 3; minus strand). Cytogenetic location: 14q32.12.
Variant type: single nucleotide variant.
Coding change: c.916G>C on transcript NM_004993.6 (MANE Select); coding-DNA position 916, G replaced by C.
Protein change: p.Gly306Arg; replaces glycine 306 with arginine.
Molecular consequence: missense variant. On other transcripts: non-coding transcript variant (19).
Genome position (GRCh38, 1-based): chr14:92,071,010, C>G on the plus strand (G>C on the coding strand, the complement: ATXN3 is on the minus strand). VCF-style: chr14-92071010-C-G. GRCh37 (hg19) VCF-style: chr14-92537354-C-G.
Other names: c.871G>C, p.Gly291Arg (NM_001127696.2); c.763G>C, p.Gly255Arg (NM_001127697.3); c.233G>C, p.Gly78Ala (NM_001164774.2); c.278G>C, p.Gly93Ala (NM_001164776.2); c.113G>C, p.Gly38Ala (NM_001164777.2); c.431G>C, p.Gly144Ala (NM_001164778.2); c.553G>C, p.Gly185Arg (NM_001164779.2); c.379G>C, p.Gly127Arg (NM_001164780.2); and 3 more; short protein forms G306R, G127R, G185R, G23A, G251R, G78A, G93A, G236R.
Identifiers: ClinVar variation 128515 (VCV000128515.11), dbSNP rs12895357, ClinGen allele CA152015.

ClinVar aggregate classification (germline): Benign/Likely benign. Review status: criteria provided, multiple submitters, no conflicts (2 of 4 stars). 5 submissions from 5 submitters: Benign (1); Likely benign (1). 3 of the submissions do not count toward it. Last evaluated 2024-11-20.

Conditions:
ATXN3-related disorder. Also called: ATXN3-related condition.
Azorean disease (MJD). Also called: NIGROSPINODENTATAL DEGENERATION; SPINOCEREBELLAR ATROPHY III; SPINOPONTINE ATROPHY; AZOREAN NEUROLOGIC DISEASE; Spinocerebellar Ataxia Type 3; Machado-Joseph disease. Identifiers: Orphanet 98757, MedGen C0024408, MONDO:0007182, OMIM 109150.

Allele frequency attached by ClinVar (database versions not stated): gnomAD 0.00572 and 0.00570; 1000 Genomes Project 0.27596; TOPMed 0.21181; ESP Exome Variant Server 0.16262.

Submissions (5):

Blueprint Genetics
Classification: Likely benign. Last evaluated: 2024-11-20. Review status: criteria provided, single submitter. Criteria: ACMG Guidelines, 2015. Collection method: clinical testing. Allele origin: germline.

Breakthrough Genomics
Classification: Benign. Review status: criteria provided, single submitter. Criteria: ACMG Guidelines, 2015. Collection method: not provided. Allele origin: germline. Inheritance: Autosomal dominant inheritance. Affected: yes.

PreventionGenetics, part of Exact Sciences
Classification: Benign for ATXN3-related condition. Last evaluated: 2019-10-07. Review status: no assertion criteria provided. Collection method: clinical testing. Allele origin: germline. Not counted in ClinVar's aggregate classification.
Comment: This variant is classified as benign based on ACMG/AMP sequence variant interpretation guidelines (Richards et al. 2015 PMID: 25741868, with internal and published modifications).

GeneReviews
No classification provided. Condition: Azorean disease. Review status: no classification provided. Collection method: literature only. Allele origin: germline. Affected: yes. Not counted in ClinVar's aggregate classification.

Genetic Services Laboratory, University of Chicago
Classification: Likely benign for AllHighlyPenetrant. Review status: no assertion criteria provided. Collection method: clinical testing. Allele origin: germline. Inheritance: Autosomal dominant inheritance. Not counted in ClinVar's aggregate classification.
Comment: Likely benign based on allele frequency in 1000 Genomes Project or ESP global frequency and its presence in a patient with a rare or unrelated disease phenotype. NOT Sanger confirmed.

Literature cited by the submitters: NCBI Bookshelf NBK1196 (cited by GeneReviews).